The following is an entry in ClinVar:

ClinVar aggregate classification (germline): Pathogenic (1 of 4 stars; one submission).

Submission:

Labcorp Genetics (formerly Invitae), Labcorp
Classification: Pathogenic. Last evaluated: 2025-08-01. Review status: criteria provided, single submitter. Criteria: Invitae Variant Classification Sherloc (09022015). Collection method: clinical testing. Allele origin: germline.
Comment: This sequence change creates a premature translational stop signal (p.Leu173Tyrfs*11) in the GATAD2B gene. It is expected to result in an absent or disrupted protein product. Loss-of-function variants in GATAD2B are known to be pathogenic (PMID: 23033978, 25356899, 27159321). This variant is not present in population databases (gnomAD no frequency). This variant has not been reported in the literature in individuals affected with GATAD2B-related conditions. For these reasons, this variant has been classified as Pathogenic.

Literature cited by the submitters: PubMed 23033978; PubMed 25356899; PubMed 27159321.

NM_020699.4(GATAD2B):c.517del (p.Leu173fs)

Gene: GATAD2B (GATA zinc finger domain containing 2B; minus strand). Cytogenetic location: 1q21.3.
Variant type: Deletion.
Coding change: c.517del on transcript NM_020699.4 (MANE Select); coding-DNA position 517, one base deleted (C; older notation c.517delC).
Protein change: p.Leu173fs; shifts the reading frame from leucine 173.
Molecular consequence: frameshift variant.
Genome position (GRCh38, 1-based): chr1:153,818,871, G deleted on the plus strand (C on the coding strand, the reverse complement: GATAD2B is on the minus strand). VCF-style (leftmost placement, unchanged base first): chr1-153818870-AG-A. GRCh37 (hg19) VCF-style: chr1-153791346-AG-A.
Other names: short protein forms L173fs.
Identifiers: ClinVar variation 4724171 (VCV004724171.1).